The following is an entry in ClinVar:

NM_001572.5(IRF7):c.284_285delinsAA (p.Phe95Ter)

Gene: IRF7 (interferon regulatory factor 7; minus strand). Cytogenetic location: 11p15.5.
Variant type: Indel.
Coding change: c.284_285delinsAA on transcript NM_001572.5 (MANE Select); coding-DNA positions 284 to 285, TC replaced by AA.
Protein change: p.Phe95Ter; replaces phenylalanine 95 with a stop codon.
Molecular consequence: nonsense.
Genome position (GRCh38, 1-based): chr11:614,906-614,907, GA replaced by TT on the plus strand (TC replaced by AA on the coding strand, the reverse complement: IRF7 is on the minus strand). VCF-style: chr11-614906-GA-TT. GRCh37 (hg19) VCF-style: chr11-614906-GA-TT.
Other names: c.284_285delinsAA, p.Phe95Ter (NM_004029.4); c.323_324delinsAA, p.Phe108Ter (NM_004031.4); short protein forms F95*, F108*.
Identifiers: ClinVar variation 3631831 (VCV003631831.2).
Genomic context (GRCh38, chr11:614,906, plus strand): 5'-CGGGTCCCCCGAGTTATCCCGCAGCATCACGAAGCGACGCGTGCTGCGCAGTGCGCAGCG[GA>TT]AGTTGGTTTTCCAGCCGGCGCGCTCCGCAGTCTCAGCCTCGGGGGGCGGGCCACCTCCCC-3'

ClinVar aggregate classification (germline): Uncertain significance (1 of 4 stars; one submission).

Conditions:
Immunodeficiency 39 (IMD39). Identifiers: Orphanet 574918, MedGen C4225358, MONDO:0014597, OMIM 616345.

Submission:

Labcorp Genetics (formerly Invitae), Labcorp
Classification: Uncertain significance for Immunodeficiency 39. Last evaluated: 2024-08-04. Review status: criteria provided, single submitter. Criteria: Invitae Variant Classification Sherloc (09022015). Collection method: clinical testing. Allele origin: germline.
Comment: This sequence change creates a premature translational stop signal (p.Phe108*) in the IRF7 gene. It is expected to result in an absent or disrupted protein product. However, the current clinical and genetic evidence is not sufficient to establish whether loss-of-function variants in IRF7 cause disease. Information on the frequency of this variant in the gnomAD database is not available, as this variant may be reported differently in the database. This variant has not been reported in the literature in individuals affected with IRF7-related conditions. In summary, the available evidence is currently insufficient to determine the role of this variant in disease. Therefore, it has been classified as a Variant of Uncertain Significance.